The following is an entry in ClinVar:

NM_206933.4(USH2A):c.6047C>A (p.Thr2016Lys)

Gene: USH2A (usherin; minus strand). Cytogenetic location: 1q41.
Variant type: single nucleotide variant.
Coding change: c.6047C>A on transcript NM_206933.4 (MANE Select); coding-DNA position 6047, C replaced by A.
Protein change: p.Thr2016Lys; replaces threonine 2016 with lysine.
Molecular consequence: missense variant.
Genome position (GRCh38, 1-based): chr1:216,070,103, G>T on the plus strand (C>A on the coding strand, the complement: USH2A is on the minus strand). VCF-style: chr1-216070103-G-T. GRCh37 (hg19) VCF-style: chr1-216243445-G-T.
Other names: short protein forms T2016K.
Identifiers: ClinVar variation 1704895 (VCV001704895.8), dbSNP rs750260175, ClinGen allele CA37476127.
Genomic context (GRCh38, chr1:216,070,103, plus strand): 5'-TAAAATGCAAACAAAAAGGAAGTTAATAGGGTCTACTCTGTTAAAGGATTGCATTTACCT[G>T]TGAGGTTGCTTGTATTGACAAATTCAGCACTGGCAGAGGGCATGCGGGGTGGACGGGTGC-3'
Protein context (NP_996816.3, residues 2006-2026): SAEFVNTSNL[Thr2016Lys]GILTGLLPFK

ClinVar aggregate classification (germline): Uncertain significance. Review status: criteria provided, multiple submitters, no conflicts (2 of 4 stars). 7 submissions from 6 submitters: Uncertain significance (7). Last evaluated 2025-08-27.

Conditions:
USH2A-related disorder. Also called: USH2A-related condition; USH2A-related disorders. Identifiers: MedGen CN239332.
Inborn genetic diseases. Identifiers: MedGen C0950123, MeSH D030342.
Retinitis pigmentosa 39 (RP39). Identifiers: Orphanet 791, MedGen C3151138, MONDO:0013436, OMIM 613809.
Usher syndrome type 2A. Also called: RETINAL DISEASE IN USHER SYNDROME TYPE IIA, MODIFIER OF; USHER SYNDROME, TYPE IIA. Identifiers: Orphanet 231178, Orphanet 886, MedGen C1848634, MONDO:0010169, OMIM 276901.

gnomAD v4.1: 52 of 1,613,804 alleles (0.0032%); highest among the groups gnomAD compares: Non-Finnish European, 0.0043%; no homozygotes.

Submissions (7):

PreventionGenetics, part of Exact Sciences
Classification: Uncertain significance for USH2A-related condition. Last evaluated: 2025-08-27. Review status: criteria provided, single submitter. Criteria: ACMG Guidelines, 2015. Collection method: clinical testing. Allele origin: germline.
Comment: The USH2A c.6047C>A variant is predicted to result in the amino acid substitution p.Thr2016Lys. To our knowledge, this variant has not been reported in the literature. This variant is reported in 0.0016% of alleles in individuals of European (Non-Finnish) descent in gnomAD. At this time, the clinical significance of this variant is uncertain due to the absence of conclusive functional and genetic evidence.

Ambry Genetics
Classification: Uncertain significance for Inborn genetic diseases. Last evaluated: 2024-03-28. Review status: criteria provided, single submitter. Criteria: Ambry Variant Classification Scheme 2023. Collection method: clinical testing. Allele origin: germline.

GeneDx
Classification: Uncertain significance. Last evaluated: 2024-02-01. Review status: criteria provided, single submitter. Criteria: GeneDx Variant Classification Process June 2021. Collection method: clinical testing. Allele origin: germline. Affected: yes.
Comment: In silico analysis supports that this missense variant does not alter protein structure/function; Has not been previously published as pathogenic or benign to our knowledge

Genome-Nilou Lab
Classification: Uncertain significance for Retinitis pigmentosa 39. Last evaluated: 2023-11-04. Review status: criteria provided, single submitter. Criteria: ACMG Guidelines, 2015. Collection method: clinical testing. Allele origin: germline. Affected: no.

Genome-Nilou Lab
Classification: Uncertain significance for Usher syndrome type 2A. Last evaluated: 2023-11-04. Review status: criteria provided, single submitter. Criteria: ACMG Guidelines, 2015. Collection method: clinical testing. Allele origin: germline. Affected: no.

Blueprint Genetics
Classification: Uncertain significance. Last evaluated: 2022-04-19. Review status: criteria provided, single submitter. Criteria: ACMG Guidelines, 2015. Collection method: clinical testing. Allele origin: germline.

Labcorp Genetics (formerly Invitae), Labcorp
Classification: Uncertain significance. Last evaluated: 2021-09-01. Review status: criteria provided, single submitter. Criteria: Invitae Variant Classification Sherloc (09022015). Collection method: clinical testing. Allele origin: germline.
Comment: This sequence change replaces threonine with lysine at codon 2016 of the USH2A protein (p.Thr2016Lys). The threonine residue is highly conserved and there is a moderate physicochemical difference between threonine and lysine. This variant is not present in population databases (ExAC no frequency). This variant has not been reported in the literature in individuals affected with USH2A-related conditions. Algorithms developed to predict the effect of missense changes on protein structure and function are either unavailable or do not agree on the potential impact of this missense change (SIFT: "Deleterious"; PolyPhen-2: "Benign"; Align-GVGD: "Class C0"). In summary, the available evidence is currently insufficient to determine the role of this variant in disease. Therefore, it has been classified as a Variant of Uncertain Significance.